The following is an entry in ClinVar:

NM_003673.4(TCAP):c.294_295delinsAG (p.Met99Val)

Gene: TCAP (titin-cap; plus strand). Cytogenetic location: 17q12.
Variant type: Indel.
Coding change: c.294_295delinsAG on transcript NM_003673.4 (MANE Select); coding-DNA positions 294 to 295, GA replaced by AG.
Protein change: p.Met99Val; replaces methionine 99 with valine.
Molecular consequence: missense variant.
Genome position (GRCh38, 1-based): chr17:39,665,899-39,665,900, GA replaced by AG. VCF-style: chr17-39665899-GA-AG. GRCh37 (hg19) VCF-style: chr17-37822152-GA-AG.
Other names: c.294_295delGAinsAG (NM_003673.3); c.294_295delinsAG (NM_003673.3); short protein forms M99V.
Identifiers: ClinVar variation 1036986 (VCV001036986.15), dbSNP rs2057251619, ClinGen allele CA2259200808.

ClinVar aggregate classification (germline): Uncertain significance. Review status: criteria provided, multiple submitters, no conflicts (2 of 4 stars). 3 submissions from 3 submitters: Uncertain significance (3). Last evaluated 2026-04-06.

Conditions:
Primary familial hypertrophic cardiomyopathy (HCM). Identifiers: Orphanet 99739, MedGen C0949658, MeSH D024741, MONDO:0024573. Inheritance: Various modes of inheritance.
Primary dilated cardiomyopathy (DCM). Also called: Dilated Cardiomyopathy. Identifiers: Orphanet 217604, MedGen C0007193, MeSH D002311, MONDO:0005021, HP:0001644. Inheritance: Various modes of inheritance.
Autosomal recessive limb-girdle muscular dystrophy type 2G (LGMDR7). Also called: Telethoninopathy; MUSCULAR DYSTROPHY, LIMB-GIRDLE, AUTOSOMAL RECESSIVE 7; Limb-girdle muscular dystrophy, type 2G. Identifiers: Orphanet 34514, MedGen C1866008, MONDO:0011170, OMIM 601954.
Hypertrophic cardiomyopathy 25 (CMH25). Also called: CARDIOMYOPATHY, FAMILIAL HYPERTROPHIC, 25. Identifiers: MedGen C4225408, MONDO:0011843, OMIM 607487.
Cardiovascular phenotype. Identifiers: MedGen CN230736.

Submissions (3):

Ambry Genetics
Classification: Uncertain significance for Cardiovascular phenotype. Last evaluated: 2026-04-06. Review status: criteria provided, single submitter. Criteria: Ambry Variant Classification Scheme 2023. Collection method: clinical testing. Allele origin: germline.
Comment: The c.294_295delGAinsAG variant (also known as p.M99V), located in coding exon 2 of the TCAP gene, results from an in-frame deletion of GA and insertion of AG at nucleotide positions 294 to 295. This results in the substitution of the methionine residue for a valine residue at codon 99, an amino acid with highly similar properties. This amino acid position is poorly conserved in available vertebrate species. In addition, this variant is predicted to be neutral by in silico analysis (Choi Y et al. PLoS ONE. 2012; 7(10):e46688). Based on the available evidence, the clinical significance of this variant remains unclear.

Labcorp Genetics (formerly Invitae), Labcorp
Classification: Uncertain significance for Hypertrophic cardiomyopathy 25; Primary familial hypertrophic cardiomyopathy. Last evaluated: 2024-12-17. Review status: criteria provided, single submitter. Criteria: Invitae Variant Classification Sherloc (09022015). Collection method: clinical testing. Allele origin: germline.
Comment: This sequence change replaces methionine, which is neutral and non-polar, with valine, which is neutral and non-polar, at codon 99 of the TCAP protein (p.Met99Val). Information on the frequency of this variant in the gnomAD database is not available, as this variant may be reported differently in the database. This variant has not been reported in the literature in individuals affected with TCAP-related conditions. ClinVar contains an entry for this variant (Variation ID: 1036986). Experimental studies and prediction algorithms are not available or were not evaluated, and the functional significance of this variant is currently unknown. In summary, the available evidence is currently insufficient to determine the role of this variant in disease. Therefore, it has been classified as a Variant of Uncertain Significance.

Fulgent Genetics
Classification: Uncertain significance for Autosomal recessive limb-girdle muscular dystrophy type 2G; Hypertrophic cardiomyopathy 25. Last evaluated: 2021-07-28. Review status: criteria provided, single submitter. Criteria: ACMG Guidelines, 2015. Collection method: clinical testing. Allele origin: unknown.